The following is an entry in ClinVar:

ClinVar aggregate classification (germline): Uncertain significance (1 of 4 stars; one submission).

Allele frequency attached by ClinVar (database versions not stated): TOPMed below 0.00001; gnomAD 0.00001.
gnomAD v4.1: 1 of 1,613,650 alleles (0.000062%); highest among the groups gnomAD compares: Non-Finnish European, 0.000085%; no homozygotes.

Submission:

Labcorp Genetics (formerly Invitae), Labcorp
Classification: Uncertain significance. Last evaluated: 2023-07-12. Review status: criteria provided, single submitter. Criteria: Invitae Variant Classification Sherloc (09022015). Collection method: clinical testing. Allele origin: germline.
Comment: This sequence change replaces leucine, which is neutral and non-polar, with isoleucine, which is neutral and non-polar, at codon 3672 of the KMT2A protein (p.Leu3672Ile). This variant is not present in population databases (gnomAD no frequency). This variant has not been reported in the literature in individuals affected with KMT2A-related conditions. Advanced modeling of protein sequence and biophysical properties (such as structural, functional, and spatial information, amino acid conservation, physicochemical variation, residue mobility, and thermodynamic stability) performed at Invitae indicates that this missense variant is not expected to disrupt KMT2A protein function. In summary, the available evidence is currently insufficient to determine the role of this variant in disease. Therefore, it has been classified as a Variant of Uncertain Significance.

NM_001197104.2(KMT2A):c.11014C>A (p.Leu3672Ile)

Gene: KMT2A (lysine methyltransferase 2A; plus strand). Cytogenetic location: 11q23.3.
Variant type: single nucleotide variant.
Coding change: c.11014C>A on transcript NM_001197104.2 (MANE Select); coding-DNA position 11014, C replaced by A.
Protein change: p.Leu3672Ile; replaces leucine 3672 with isoleucine.
Molecular consequence: missense variant.
Genome position (GRCh38, 1-based): chr11:118,510,061, C>A. VCF-style: chr11-118510061-C-A. GRCh37 (hg19) VCF-style: chr11-118380776-C-A.
Other names: c.11104C>A, p.Leu3702Ile (NM_001412597.1); c.11005C>A, p.Leu3669Ile (NM_005933.4); short protein forms L3702I, L3669I, L3672I.
Identifiers: ClinVar variation 2741812 (VCV002741812.3), dbSNP rs1225120880, ClinGen allele CA382829945.
Genomic context (GRCh38, chr11:118,510,061, plus strand): 5'-TGGCTTCAGCAAGAACAAAAGCGGAAGGAAAGCATTACTGAGAAAAAACCCAAGAAAGGA[C>A]TTGTTTTTGAAATTTCCAGTGATGATGGCTTTCAGATCTGTGCAGAAAGTATTGAAGGTG-3'
Protein context (NP_001184033.1, residues 3662-3682): SITEKKPKKG[Leu3672Ile]VFEISSDDGF